The following is an entry in ClinVar:

NM_001197104.2(KMT2A):c.7946C>A (p.Pro2649Gln)

Gene: KMT2A (lysine methyltransferase 2A; plus strand). Cytogenetic location: 11q23.3.
Variant type: single nucleotide variant.
Coding change: c.7946C>A on transcript NM_001197104.2 (MANE Select); coding-DNA position 7946, C replaced by A.
Protein change: p.Pro2649Gln; replaces proline 2649 with glutamine.
Molecular consequence: missense variant.
Genome position (GRCh38, 1-based): chr11:118,503,838, C>A. VCF-style: chr11-118503838-C-A. GRCh37 (hg19) VCF-style: chr11-118374553-C-A.
Other names: c.7937C>A, p.Pro2646Gln (NM_005933.4); short protein forms P2646Q, P2649Q.
Identifiers: ClinVar variation 1472320 (VCV001472320.6), dbSNP rs2134395518, ClinGen allele CA382807932.
Genomic context (GRCh38, chr11:118,503,838, plus strand): 5'-ACATGTTTTTTGGGCTTACCCCACTCTATGGAGTAAGATCCTATGGTGAAGAAGACATTC[C>A]ATTCTACAGCAGCTCAACTGGGAAGAAGCGAGGCAAGAGATCAGCTGAAGGACAGGTGGA-3'
Protein context (NP_001184033.1, residues 2639-2659): GVRSYGEEDI[Pro2649Gln]FYSSSTGKKR

ClinVar aggregate classification (germline): Uncertain significance (1 of 4 stars; one submission).

Submission:

Labcorp Genetics (formerly Invitae), Labcorp
Classification: Uncertain significance. Last evaluated: 2023-08-04. Review status: criteria provided, single submitter. Criteria: Invitae Variant Classification Sherloc (09022015). Collection method: clinical testing. Allele origin: germline.
Comment: This sequence change replaces proline, which is neutral and non-polar, with glutamine, which is neutral and polar, at codon 2649 of the KMT2A protein (p.Pro2649Gln). This variant is not present in population databases (gnomAD no frequency). This variant has not been reported in the literature in individuals affected with KMT2A-related conditions. ClinVar contains an entry for this variant (Variation ID: 1472320). Advanced modeling of protein sequence and biophysical properties (such as structural, functional, and spatial information, amino acid conservation, physicochemical variation, residue mobility, and thermodynamic stability) has been performed at Invitae for this missense variant, however the output from this modeling did not meet the statistical confidence thresholds required to predict the impact of this variant on KMT2A protein function. In summary, the available evidence is currently insufficient to determine the role of this variant in disease. Therefore, it has been classified as a Variant of Uncertain Significance.